The following is an entry in ClinVar:

ClinVar aggregate classification (germline): Benign. Review status: criteria provided, multiple submitters, no conflicts (2 of 4 stars). 3 submissions from 3 submitters: Benign (2). 1 of the submissions does not count toward it. Last evaluated 2026-02-01.

Conditions:
FBN3-related disorder. Also called: FBN3-related condition.

Allele frequency attached by ClinVar (database versions not stated): ExAC 0.00253; gnomAD 0.00683 and 0.00745; 1000 Genomes Project 0.00739; 1000 Genomes Project 30x 0.00750; TOPMed 0.00795; ESP Exome Variant Server 0.00846.
gnomAD v4.1: 2,080 of 1,613,798 alleles (0.13%); highest among the groups gnomAD compares: African/African-American, 2.4%; 29 homozygotes.

Submissions (3):

Labcorp Genetics (formerly Invitae), Labcorp
Classification: Benign. Last evaluated: 2026-02-01. Review status: criteria provided, single submitter. Criteria: Invitae Variant Classification Sherloc (09022015). Collection method: clinical testing. Allele origin: germline.

Breakthrough Genomics
Classification: Benign. Review status: criteria provided, single submitter. Criteria: ACMG Guidelines, 2015. Collection method: not provided. Allele origin: germline. Inheritance: Unknown mechanism. Affected: yes.

PreventionGenetics, part of Exact Sciences
Classification: Benign for FBN3-related condition. Last evaluated: 2019-03-20. Review status: no assertion criteria provided. Collection method: clinical testing. Allele origin: germline. Not counted in ClinVar's aggregate classification.
Comment: This variant is classified as benign based on ACMG/AMP sequence variant interpretation guidelines (Richards et al. 2015 PMID: 25741868, with internal and published modifications).

NM_032447.5(FBN3):c.2847C>T (p.Val949=)

Gene: FBN3 (fibrillin 3; minus strand). Cytogenetic location: 19p13.2.
Variant type: single nucleotide variant.
Coding change: c.2847C>T on transcript NM_032447.5 (MANE Select); coding-DNA position 2847, C replaced by T.
Protein change: p.Val949=; no amino-acid change (valine 949 retained).
Molecular consequence: synonymous variant.
Genome position (GRCh38, 1-based): chr19:8,123,893, G>A on the plus strand (C>T on the coding strand, the complement: FBN3 is on the minus strand). VCF-style: chr19-8123893-G-A. GRCh37 (hg19) VCF-style: chr19-8188777-G-A.
Other names: c.2847C>T, p.Val949= (NM_001321431.2); c.2847C>T (NM_001321431.1).
Identifiers: ClinVar variation 719826 (VCV000719826.12), dbSNP rs34591995, ClinGen allele CA9152694.